The following is an entry in ClinVar:

NM_001077.4(UGT2B17):c.1337T>C (p.Leu446Ser)

Gene: UGT2B17 (UDP glucuronosyltransferase family 2 member B17; minus strand). Cytogenetic location: 4q13.2.
Variant type: single nucleotide variant.
Coding change: c.1337T>C on transcript NM_001077.4 (MANE Select); coding-DNA position 1337, T replaced by C.
Protein change: p.Leu446Ser; replaces leucine 446 with serine.
Molecular consequence: missense variant.
Genome position (GRCh38, 1-based): chr4:68,537,881, A>G on the plus strand (T>C on the coding strand, the complement: UGT2B17 is on the minus strand). VCF-style: chr4-68537881-A-G. GRCh37 (hg19) VCF-style: chr4-69403599-A-G.
Other names: short protein forms L446S.
Identifiers: ClinVar variation 3904963 (VCV003904963.10).
Genomic context (GRCh38, chr4:68,537,881, plus strand): 5'-TCAATCCAGAAGACTGCTCGATCCAGGGGCTTCACCGGTTGATCATGATGAATTCTTGAT[A>G]ATTTCATGATATTCTCTTTATAGCTGAAGGATAAATATAAAGATATCAACATTAAAAGTA-3'
Protein context (NP_001068.1, residues 436-456): DPIYKENIMK[Leu446Ser]SRIHHDQPVK

ClinVar aggregate classification (germline): Likely benign (1 of 4 stars; one submission).

Submission:

CeGaT Center for Human Genetics Tuebingen
Classification: Likely benign. Last evaluated: 2025-09-01. Review status: criteria provided, single submitter. Criteria: CeGaT Center For Human Genetics Tuebingen Variant Classification Criteria Version 2. Collection method: clinical testing. Allele origin: germline. Affected: yes. Observed: 2 variant alleles.
Comment: UGT2B17: BP4, BS2